The following is an entry in ClinVar:

ClinVar aggregate classification (germline): Conflicting classifications of pathogenicity. Review status: criteria provided, conflicting classifications (1 of 4 stars). 3 submissions from 3 submitters: Uncertain significance (2); Likely benign (1). Last evaluated 2025-12-08.

Conditions:
Combined immunodeficiency due to CD3gamma deficiency. Also called: CD3-GAMMA DEFICIENCY; SCID-LIKE IMMUNODEFICIENCY, T CELL-PARTIAL, B CELL-POSITIVE, NK CELL-POSITIVE; Immunodeficiency 17; Immunodeficiency 17, CD3 gamma deficient. Identifiers: Orphanet 169082, MedGen C3810107, MONDO:0014276, OMIM 615607.
CD3G-related disorder. Also called: CD3G-related condition.

Allele frequency attached by ClinVar (database versions not stated): gnomAD exomes 0.00001; TOPMed 0.00003; gnomAD 0.00004; ESP Exome Variant Server 0.00008.
gnomAD v4.1: 11 of 1,569,638 alleles (0.0007%); highest among the groups gnomAD compares: African/African-American, 0.013%; no homozygotes.

Submissions (3):

Ambry Genetics
Classification: Likely benign. Last evaluated: 2025-12-08. Review status: criteria provided, single submitter. Criteria: Ambry Variant Classification Scheme 2023. Collection method: clinical testing. Allele origin: germline.

PreventionGenetics, part of Exact Sciences
Classification: Uncertain significance for CD3G-related condition. Last evaluated: 2023-02-13. Review status: criteria provided, single submitter. Criteria: ACMG Guidelines, 2015. Collection method: clinical testing. Allele origin: germline.
Comment: The CD3G c.40A>G variant is predicted to result in the amino acid substitution p.Ile14Val. To our knowledge, this variant has not been reported in the literature. This variant is reported in 0.015% of alleles in individuals of African descent in gnomAD. At this time, the clinical significance of this variant is uncertain due to the absence of conclusive functional and genetic evidence.

Labcorp Genetics (formerly Invitae), Labcorp
Classification: Uncertain significance for Combined immunodeficiency due to CD3gamma deficiency. Last evaluated: 2018-12-22. Review status: criteria provided, single submitter. Criteria: Invitae Variant Classification Sherloc (09022015). Collection method: clinical testing. Allele origin: germline.
Comment: In summary, the available evidence is currently insufficient to determine the role of this variant in disease. Therefore, it has been classified as a Variant of Uncertain Significance. Algorithms developed to predict the effect of missense changes on protein structure and function output the following: SIFT: "Tolerated"; PolyPhen-2: "Benign"; Align-GVGD: "Class C0". The valine amino acid residue is found in multiple mammalian species, suggesting that this missense change does not adversely affect protein function. These predictions have not been confirmed by published functional studies and their clinical significance is uncertain. This variant has not been reported in the literature in individuals with CD3G-related conditions. This variant is not present in population databases (ExAC no frequency). This sequence change replaces isoleucine with valine at codon 14 of the CD3G protein (p.Ile14Val). The isoleucine residue is weakly conserved and there is a small physicochemical difference between isoleucine and valine.

NM_000073.3(CD3G):c.40A>G (p.Ile14Val)

Gene: CD3G (CD3 gamma subunit of T-cell receptor complex; plus strand). Cytogenetic location: 11q23.3.
Variant type: single nucleotide variant.
Coding change: c.40A>G on transcript NM_000073.3 (MANE Select); coding-DNA position 40, A replaced by G.
Protein change: p.Ile14Val; replaces isoleucine 14 with valine.
Molecular consequence: missense variant.
Genome position (GRCh38, 1-based): chr11:118,344,463, A>G. VCF-style: chr11-118344463-A-G. GRCh37 (hg19) VCF-style: chr11-118215178-A-G.
Other names: short protein forms I14V.
Identifiers: ClinVar variation 643291 (VCV000643291.9), dbSNP rs377262966, ClinGen allele CA229525311.